The following is an entry in ClinVar:

ClinVar aggregate classification (germline): Benign/Likely benign. Review status: criteria provided, multiple submitters, no conflicts (2 of 4 stars). 2 submissions from 2 submitters: Benign (1); Likely benign (1). Last evaluated 2026-03-11.

Allele frequency attached by ClinVar (database versions not stated): gnomAD 0.00006 and 0.00009; gnomAD exomes 0.00007; TOPMed 0.00010; 1000 Genomes Project 30x 0.00047; 1000 Genomes Project 0.00060.
gnomAD v4.1: 50 of 648,990 alleles (0.0077%); highest among the groups gnomAD compares: East Asian, 0.13%; no homozygotes.

Submissions (2):

Women's Health and Genetics/Laboratory Corporation of America, LabCorp
Classification: Likely benign. Last evaluated: 2026-03-11. Review status: criteria provided, single submitter. Criteria: LabCorp Variant Classification Summary - May 2015. Collection method: clinical testing. Allele origin: germline.
Comment: Variant summary: HBB c.315+180T>C is located at a position not widely known to affect splicing. Consensus agreement among computation tools predict no significant impact on normal splicing. However, these predictions have yet to be confirmed by functional studies. The variant allele was found at a frequency of 0.00016 in 31378 control chromosomes. The available data on variant occurrences in the general population are insufficient to allow any conclusion about variant significance. c.315+180T>C has been observed in individual(s). These report(s) do not provide unequivocal conclusions about association of the variant with Beta Thalassemia. To our knowledge, no experimental evidence demonstrating an impact on protein function has been reported. The following publication have been ascertained in the context of this evaluation (PMID: 41009440). ClinVar contains an entry for this variant (Variation ID: 695498). Based on the evidence outlined above, the variant was classified as likely benign.

Labcorp Genetics (formerly Invitae), Labcorp
Classification: Benign. Last evaluated: 2024-03-26. Review status: criteria provided, single submitter. Criteria: Invitae Variant Classification Sherloc (09022015). Collection method: clinical testing. Allele origin: germline.

Literature cited by the submitters: PubMed 41009440 (cited by Women's Health and Genetics/Laboratory Corporation of America, LabCorp).

NM_000518.5(HBB):c.315+180T>C

Genes: HBB (hemoglobin subunit beta; minus strand), LOC107133510 (origin of replication at HBB; plus strand), LOC110006319 (beta-globin gene 3' regulatory region; plus strand). Cytogenetic location: 11p15.4.
Variant type: single nucleotide variant.
Coding change: c.315+180T>C on transcript NM_000518.5 (MANE Select); 180 bases into the intron after coding-DNA position 315, T replaced by C.
Molecular consequence: intron variant.
Genome position (GRCh38, 1-based): chr11:5,226,397, A>G on the plus strand (T>C on the coding strand, the complement: HBB is on the minus strand). VCF-style: chr11-5226397-A-G. GRCh37 (hg19) VCF-style: chr11-5247627-A-G.
Identifiers: ClinVar variation 695498 (VCV000695498.12), dbSNP rs529931134, ClinGen allele CA217113267.